The following is an entry in ClinVar:

NC_000020.10:g.(?_61977556)_(62044954_?)del

Genes: CHRNA4 (cholinergic receptor nicotinic alpha 4 subunit; minus strand), KCNQ2 (potassium voltage-gated channel subfamily Q member 2; minus strand). Cytogenetic location: 20q13.33.
Variant type: Deletion.
Identifiers: ClinVar variation 831309 (VCV000831309.1).

ClinVar aggregate classification (germline): Uncertain significance (1 of 4 stars; one submission).

Conditions:
Familial sleep-related hypermotor epilepsy. Also called: Autosomal Dominant Sleep-Related Hypermotor (Hyperkinetic) Epilepsy. Identifiers: Orphanet 98784, MedGen C3696898, MONDO:0000030.

Submission:

Labcorp Genetics (formerly Invitae), Labcorp
Classification: Uncertain significance. Last evaluated: 2019-06-25. Review status: criteria provided, single submitter. Criteria: Invitae Variant Classification Sherloc (09022015). Collection method: clinical testing. Allele origin: germline.
Comment: A gross deletion of the genomic region encompassing the full coding sequence of the CHRNA4 gene has been identified. The boundaries of this event are unknown as the deletion extends beyond the assayed region for this gene and therefore may encompass additional genes. This variant has not been reported in the literature in individuals with CHRNA4-related disease. The current clinical and genetic evidence is not sufficient to establish whether loss-of-function variants in CHRNA4 cause disease. In summary, the available evidence is currently insufficient to determine the role of this variant in disease. Therefore, it has been classified as a Variant of Uncertain Significance.